The following is an entry in ClinVar:

ClinVar aggregate classification (germline): Pathogenic. Review status: criteria provided, multiple submitters, no conflicts (2 of 4 stars). 3 submissions from 3 submitters: Pathogenic (2). 1 of the submissions does not count toward it. Last evaluated 2022-07-19.

Conditions:
TULP1-related disorder. Also called: TULP1-related disorders; TULP1-related condition.
Leber congenital amaurosis 15 (LCA15). Identifiers: Orphanet 65, MedGen C3151206, MONDO:0013457, OMIM 613843.

Allele frequency attached by ClinVar (database versions not stated): gnomAD 0.00001; TOPMed 0.00001.
gnomAD v4.1: 3 of 1,388,424 alleles (0.00022%); highest among the groups gnomAD compares: Non-Finnish European, 0.00028%; no homozygotes.

Submissions (3):

Labcorp Genetics (formerly Invitae), Labcorp
Classification: Pathogenic. Last evaluated: 2022-07-19. Review status: criteria provided, single submitter. Criteria: Invitae Variant Classification Sherloc (09022015). Collection method: clinical testing. Allele origin: germline.
Comment: For these reasons, this variant has been classified as Pathogenic. ClinVar contains an entry for this variant (Variation ID: 867084). This premature translational stop signal has been observed in individual(s) with retinitis pigmentosa (PMID: 29641573). This variant is not present in population databases (gnomAD no frequency). This sequence change creates a premature translational stop signal (p.Arg34*) in the TULP1 gene. It is expected to result in an absent or disrupted protein product. Loss-of-function variants in TULP1 are known to be pathogenic (PMID: 8606774, 10549638, 15024725, 18055821).

Blueprint Genetics
Classification: Pathogenic for TULP1-related disorders. Last evaluated: 2019-01-30. Review status: criteria provided, single submitter. Criteria: ACMG Guidelines, 2015. Collection method: clinical testing. Allele origin: germline. Affected: yes. Observed: 1 variant allele.

Laboratory of Genetics in Ophthalmology, Institut Imagine
Classification: Pathogenic for Leber congenital amaurosis 15. Review status: no assertion criteria provided. Collection method: research. Allele origin: inherited. Affected: yes. Observed: 1 variant allele. Not counted in ClinVar's aggregate classification.

Literature cited by the submitters: PubMed 29641573 (cited by Labcorp Genetics (formerly Invitae), Labcorp); PubMed 8606774 (cited by Labcorp Genetics (formerly Invitae), Labcorp); PubMed 10549638 (cited by Labcorp Genetics (formerly Invitae), Labcorp); PubMed 15024725 (cited by Labcorp Genetics (formerly Invitae), Labcorp); PubMed 18055821 (cited by Labcorp Genetics (formerly Invitae), Labcorp); PubMed 22665969 (cited by Laboratory of Genetics in Ophthalmology, Institut Imagine).

NM_003322.6(TULP1):c.100C>T (p.Arg34Ter)

Gene: TULP1 (TUB like protein 1; minus strand). Cytogenetic location: 6p21.31.
Variant type: single nucleotide variant.
Coding change: c.100C>T on transcript NM_003322.6 (MANE Select); coding-DNA position 100, C replaced by T.
Protein change: p.Arg34Ter; replaces arginine 34 with a stop codon.
Molecular consequence: nonsense.
Genome position (GRCh38, 1-based): chr6:35,512,270, G>A on the plus strand (C>T on the coding strand, the complement: TULP1 is on the minus strand). VCF-style: chr6-35512270-G-A. GRCh37 (hg19) VCF-style: chr6-35480047-G-A.
Other names: c.100C>T, p.Arg34Ter (NM_001289395.2); short protein forms R34*.
Identifiers: ClinVar variation 867084 (VCV000867084.13), dbSNP rs1331834680, ClinGen allele CA363785173.